The following is an entry in ClinVar:

NM_013275.6(ANKRD11):c.2589dup (p.Asp864fs)

Gene: ANKRD11 (ankyrin repeat domain containing 11; minus strand). Cytogenetic location: 16q24.3.
Variant type: Duplication.
Coding change: c.2589dup on transcript NM_013275.6 (MANE Select); coding-DNA position 2589, one base duplicated (A; older notation c.2589dupA).
Protein change: p.Asp864fs; shifts the reading frame from aspartic acid 864.
Molecular consequence: frameshift variant.
Genome position (GRCh38, 1-based): chr16:89,283,953, T duplicated on the plus strand (A on the coding strand, the reverse complement: ANKRD11 is on the minus strand). VCF-style (leftmost placement, unchanged base first): chr16-89283952-C-CT. GRCh37 (hg19) VCF-style: chr16-89350360-C-CT.
Other names: c.2589dup, p.Asp864fs (NM_001256182.2, NM_001256183.2); short protein forms D864fs.
Identifiers: ClinVar variation 280537 (VCV000280537.2), dbSNP rs886041724, ClinGen allele CA10603425.

ClinVar aggregate classification (germline): Pathogenic (1 of 4 stars; one submission).

Submission:

GeneDx
Classification: Pathogenic. Last evaluated: 2017-09-21. Review status: criteria provided, single submitter. Criteria: GeneDx Variant Classification (06012015). Collection method: clinical testing. Allele origin: germline. Affected: yes.
Comment: The c.2589dupA pathogenic variant in the ANKRD11 gene has not been reported previously as a pathogenic variant nor as a benign variant, to our knowledge. The c.2589dupA variant causes a frameshift starting with codon Aspartic acid 864, changes this amino acid to Arginine residue, and creates a premature Stop codon at position 52 of the new reading frame, denoted p.Asp864ArgfsX52. This variant is predicted to cause loss of normal protein function either through protein truncation or nonsense-mediated mRNA decay. The c.2589dupA variant was not observed in approximately 6500 individuals of European and African American ancestry in the NHLBI Exome Sequencing Project, indicating it is not a common benign variant in these populations. We interpret c.2589dupA as a pathogenic variant.